The following is an entry in ClinVar:

ClinVar aggregate classification (germline): Conflicting classifications of pathogenicity. Review status: criteria provided, conflicting classifications (1 of 4 stars). 4 submissions from 4 submitters: Likely pathogenic (2); Uncertain significance (2). Last evaluated 2020-09-10.

Conditions:
Inborn genetic diseases. Identifiers: MedGen C0950123, MeSH D030342.
Intellectual disability, autosomal dominant 14 (CSS2). Also called: COFFIN-SIRIS SYNDROME 2. Identifiers: Orphanet 1465, MedGen C3553247, MONDO:0013819, OMIM 614607.
Intellectual disability. Also called: Intellectual functioning disability; Intellectual developmental disorder; intellectual disabilities. Identifiers: MedGen C3714756, MeSH D008607, MONDO:0001071, HP:0001249.

Submissions (4):

Diagnostic Laboratory, Strasbourg University Hospital
Classification: Uncertain significance for Intellectual disability. Last evaluated: 2020-09-10. Review status: criteria provided, single submitter. Criteria: ACMG Guidelines, 2015. Collection method: clinical testing. Allele origin: de novo. Affected: yes. Observed: 1 heterozygote.

GeneDx
Classification: Uncertain significance. Last evaluated: 2019-06-04. Review status: criteria provided, single submitter. Criteria: GeneDx Variant Classification Process June 2021. Collection method: clinical testing. Allele origin: germline. Affected: yes.
Comment: Not observed in large population cohorts (Lek et al., 2016); In silico analysis, which includes protein predictors and evolutionary conservation, supports a deleterious effect; This variant is associated with the following publications: (PMID: 25356970)

Ambry Genetics
Classification: Likely pathogenic for Inborn genetic diseases. Last evaluated: 2013-11-21. Review status: criteria provided, single submitter. Criteria: Ambry Autosomal Dominant and X-Linked criteria (10/2015). Collection method: clinical testing. Allele origin: germline. Observed: 1 variant allele.

Laboratory of Medical Genetics, University of Torino
Classification: Likely pathogenic for Intellectual disability, autosomal dominant 14. Review status: criteria provided, single submitter. Criteria: ACMG Guidelines, 2015. Collection method: clinical testing. Allele origin: de novo. Affected: yes.

NM_006015.6(ARID1A):c.6232G>A (p.Glu2078Lys)

Gene: ARID1A (AT-rich interaction domain 1A; plus strand). Cytogenetic location: 1p36.11.
Variant type: single nucleotide variant.
Coding change: c.6232G>A on transcript NM_006015.6 (MANE Select); coding-DNA position 6232, G replaced by A.
Protein change: p.Glu2078Lys; replaces glutamic acid 2078 with lysine.
Molecular consequence: missense variant.
Genome position (GRCh38, 1-based): chr1:26,780,130, G>A. VCF-style: chr1-26780130-G-A. GRCh37 (hg19) VCF-style: chr1-27106621-G-A.
Other names: c.6232G>A (LRG_875t1); c.5581G>A, p.Glu1861Lys (NM_139135.4); short protein forms E2078K, E1861K.
Identifiers: ClinVar variation 225081 (VCV000225081.8), dbSNP rs869312956, ClinGen allele CA358134.